The following is an entry in ClinVar:

NM_001458.5(FLNC):c.6136dup (p.Val2046fs)

Genes: FLNC (filamin C; plus strand), FLNC-AS1 (FLNC antisense RNA 1; minus strand). Cytogenetic location: 7q32.1.
Variant type: Duplication.
Coding change: c.6136dup on transcript NM_001458.5 (MANE Select); coding-DNA position 6136, one base duplicated (G; older notation c.6136dupG).
Protein change: p.Val2046fs; shifts the reading frame from valine 2046.
Molecular consequence: frameshift variant.
Genome position (GRCh38, 1-based): chr7:128,852,959, G duplicated; the last of 3 consecutive G bases (chr7:128,852,957-128,852,959); duplicating any one gives the same sequence. VCF-style (leftmost placement, unchanged base first): chr7-128852956-C-CG. GRCh37 (hg19) VCF-style: chr7-128493010-C-CG.
Other names: c.6037dup, p.Val2013fs (NM_001127487.2); short protein forms V2013fs, V2046fs.
Identifiers: ClinVar variation 4528313 (VCV004528313.2).
Genomic context (GRCh38, chr7:128,852,956, plus strand): 5'-ACCAACAGCCCCTTCAAGATCCTGGTGGGGCCATCTGAGATCGGGGACGCCAGCAAGGTG[C>CG]GGGTCTGGGGCAAGGGGCTTTCCGAGGGACACACATTCCAGGTGGCAGAGTTCATCGTGG-3'

ClinVar aggregate classification (germline): Likely pathogenic (1 of 4 stars; one submission).

Submission:

GeneDx
Classification: Likely pathogenic. Last evaluated: 2026-03-24. Review status: criteria provided, single submitter. Criteria: GeneDx Variant Classification Process June 2021. Collection method: clinical testing. Allele origin: germline.
Comment: Identified in patients with cardiomyopathy in published literature (PMID: 31514951, 36396199); Frameshift variant predicted to result in protein truncation or nonsense mediated decay in a gene for which loss of function is a known mechanism of disease; Not observed at significant frequency in large population cohorts (gnomAD); This variant is associated with the following publications: (PMID: 31514951, 36396199)